The following is an entry in ClinVar:

NM_001204.7(BMPR2):c.1968A>T (p.Leu656Phe)

Gene: BMPR2 (bone morphogenetic protein receptor type 2; plus strand). Cytogenetic location: 2q33.2.
Variant type: single nucleotide variant.
Coding change: c.1968A>T on transcript NM_001204.7 (MANE Select); coding-DNA position 1968, A replaced by T.
Protein change: p.Leu656Phe; replaces leucine 656 with phenylalanine.
Molecular consequence: missense variant.
Genome position (GRCh38, 1-based): chr2:202,555,633, A>T. VCF-style: chr2-202555633-A-T. GRCh37 (hg19) VCF-style: chr2-203420356-A-T.
Other names: short protein forms L656F.
Identifiers: ClinVar variation 4867588 (VCV004867588.1).

ClinVar aggregate classification (germline): Uncertain significance (1 of 4 stars; one submission).

Conditions:
Inborn genetic diseases. Identifiers: MedGen C0950123, MeSH D030342.

gnomAD v4.1: 4 of 1,614,156 alleles (0.00025%); highest among the groups gnomAD compares: Non-Finnish European, 0.00034%; no homozygotes.

Submission:

Ambry Genetics
Classification: Uncertain significance for Inborn genetic diseases. Last evaluated: 2026-04-02. Review status: criteria provided, single submitter. Criteria: Ambry Variant Classification Scheme 2023. Collection method: clinical testing. Allele origin: germline.
Comment: The p.L656F variant (also known as c.1968A>T), located in coding exon 12 of the BMPR2 gene, results from an A to T substitution at nucleotide position 1968. The leucine at codon 656 is replaced by phenylalanine, an amino acid with highly similar properties. This amino acid position is conserved. In addition, the in silico prediction for this alteration is inconclusive. Based on the available evidence, the clinical significance of this variant remains unclear.